The following is an entry in ClinVar:

NM_000133.4(F9):c.1328T>C (p.Ile443Thr)

Gene: F9 (coagulation factor IX; plus strand). Cytogenetic location: Xq27.1.
Variant type: single nucleotide variant.
Coding change: c.1328T>C on transcript NM_000133.4 (MANE Select); coding-DNA position 1328, T replaced by C.
Protein change: p.Ile443Thr; replaces isoleucine 443 with threonine.
Molecular consequence: missense variant.
Genome position (GRCh38, 1-based): chrX:139,562,013, T>C. VCF-style: chrX-139562013-T-C. GRCh37 (hg19) VCF-style: chrX-138644172-T-C.
Other names: F9, ILE397THR; I397T; c.1214T>C, p.Ile405Thr (NM_001313913.2); short protein forms I443T, I405T.
Identifiers: ClinVar variation 10627 (VCV000010627.27), dbSNP rs137852268, ClinGen allele CA255420.

ClinVar aggregate classification (germline): Pathogenic/Likely pathogenic. Review status: criteria provided, multiple submitters, no conflicts (2 of 4 stars). 8 submissions from 8 submitters: Pathogenic (5); Likely pathogenic (2). 1 of the submissions does not count toward it. Last evaluated 2025-03-19.

Conditions:
F9-related disorder. Also called: F9-related condition.
Thrombophilia, X-linked, due to factor 9 defect. Identifiers: MedGen C2749016, MONDO:0010432, OMIM 300807.
Hereditary factor IX deficiency disease (HEMB). Also called: Hemophilia B; PLASMA THROMBOPLASTIN COMPONENT DEFICIENCY; F9 DEFICIENCY; FACTOR IX DEFICIENCY; Christmas Disease. Identifiers: Orphanet 98879, MedGen C0008533, MeSH D002836, MONDO:0010604, OMIM 306900.
Warfarin sensitivity, X-linked. Also called: COUMARIN SENSITIVITY, X-LINKED. Identifiers: MedGen C5393318, OMIM 301052, MONDO:0026768.

Allele frequency attached by ClinVar (database versions not stated): gnomAD exomes below 0.00001; TOPMed 0.00003.
gnomAD v4.1: 1 of 1,210,935 alleles (0.000083%); highest among the groups gnomAD compares: Non-Finnish European, 0.00011%; no homozygotes.

Submissions (8):

PreventionGenetics, part of Exact Sciences
Classification: Pathogenic for F9-related condition. Last evaluated: 2025-03-19. Review status: criteria provided, single submitter. Criteria: ACMG Guidelines, 2015. Collection method: clinical testing. Allele origin: germline.
Comment: The F9 c.1328T>C variant is predicted to result in the amino acid substitution p.Ile443Thr. This variant is alternatively referred to as F9 Vancouver variant or p.Ile397Thr using legacy nomenclature. It has been reported in numerous individuals with hemophilia B (see, for example, Geddes et al. 1989. PubMed ID: 2494175; Ware et al. 1988. PubMed ID: 3401602; Hamasaki-Katagiri et al. 2012. PubMed ID: 226398559; Factor IX variant database). This variant has not been reported in a large population database (gnomAD), indicating this variant is rare. This variant is interpreted as pathogenic.

Natera, Inc.
Classification: Likely pathogenic for Hemophilia B. Last evaluated: 2024-10-16. Review status: criteria provided, single submitter. Criteria: Natera Variant Classification Schema (03/2026). Collection method: clinical testing. Allele origin: germline.
Comment: The c.1328T>C variant in F9 is a missense variant predicted to cause substitution of isoleucine to threonine at amino acid 443. This variant is rare in the general population with a frequency below the threshold expected for the associated phenotype(s). This variant has been observed in affected individual(s) with monoallelic occurrence (heterozygous/hemizygous) (PMID: 24375831, 22639855, 19699296, 15613048). Computational prediction algorithms indicate this variant is likely to affect gene or protein function. Given the available evidence, this variant is classified as Likely Pathogenic.

Mayo Clinic Laboratories, Mayo Clinic
Classification: Likely pathogenic. Last evaluated: 2024-09-25. Review status: criteria provided, single submitter. Criteria: ACMG Guidelines, 2015. Collection method: clinical testing. Allele origin: germline. Observed: 5 variant alleles.
Comment: PP3, PM1, PM2_moderate, PS4_moderate

Labcorp Genetics (formerly Invitae), Labcorp
Classification: Pathogenic for Thrombophilia, X-linked, due to factor 9 defect; Hereditary factor IX deficiency disease. Last evaluated: 2024-08-21. Review status: criteria provided, single submitter. Criteria: Invitae Variant Classification Sherloc (09022015). Collection method: clinical testing. Allele origin: germline.
Comment: This sequence change replaces isoleucine, which is neutral and non-polar, with threonine, which is neutral and polar, at codon 443 of the F9 protein (p.Ile443Thr). This variant is not present in population databases (gnomAD no frequency). This missense change has been observed in individuals with hemophilia B (PMID: 2494175, 24375831). This variant is also known as p.Ile397Thr and "Factor IX Vancouver". ClinVar contains an entry for this variant (Variation ID: 10627). Invitae Evidence Modeling of protein sequence and biophysical properties (such as structural, functional, and spatial information, amino acid conservation, physicochemical variation, residue mobility, and thermodynamic stability) indicates that this missense variant is not expected to disrupt F9 protein function with a negative predictive value of 80%. Experimental studies have shown that this missense change affects F9 function (PMID: 2494175). For these reasons, this variant has been classified as Pathogenic.

Fulgent Genetics
Classification: Pathogenic for Thrombophilia, X-linked, due to factor 9 defect; Warfarin sensitivity, X-linked; Hereditary factor IX deficiency disease. Last evaluated: 2024-05-30. Review status: criteria provided, single submitter. Criteria: ACMG Guidelines, 2015. Collection method: clinical testing. Allele origin: germline.

Women's Health and Genetics/Laboratory Corporation of America, LabCorp
Classification: Pathogenic for Hereditary factor IX deficiency disease. Last evaluated: 2024-02-27. Review status: criteria provided, single submitter. Criteria: LabCorp Variant Classification Summary - May 2015. Collection method: clinical testing. Allele origin: germline.
Comment: Variant summary: F9 c.1328T>C (p.Ile443Thr) results in a non-conservative amino acid change located in the Serine proteases, trypsin domain (IPR0012540) of the encoded protein sequence. Five of five in-silico tools predict a damaging effect of the variant on protein function. The variant was absent in 182978 control chromosomes (gnomAD). c.1328T>C has been reported in the literature in multiple individuals affected with Factor IX Deficiency (Hemophilia B) (example: Li_2014). These data indicate that the variant is very likely to be associated with disease. The following publication has been ascertained in the context of this evaluation (PMID: 24375831). ClinVar contains an entry for this variant (Variation ID: 10627). Based on the evidence outlined above, the variant was classified as pathogenic.

ARUP Laboratories, Molecular Genetics and Genomics, ARUP Laboratories
Classification: Pathogenic. Last evaluated: 2019-07-24. Review status: criteria provided, single submitter. Criteria: ARUP Molecular Germline Variant Investigation Process. Collection method: clinical testing. Allele origin: germline.
Comment: The F9 c.1328T>C; p.Ile443Thr variant (rs137852268), also known as p.Ile397Thr or as the F9 Vancouver variant, is reported in the literature in numerous individuals and families affected with mild, moderate, or severe hemophilia B (Geddes 1989, Ketterling 1991, Li 2014, Thompson 1990, Factor IX database and references therein). This variant is one of the most common pathogenic variants in hemophilia B patients of European descent (Ketterling 1991), and individuals with this variant carry a shared haplotype, suggestive of a founder effect (Ketterling 1991, Thompson 1990). This variant is absent from general population databases (Exome Variant Server, Genome Aggregation Database), indicating it is not a common polymorphism. Samples from affected individuals with this variant exhibit clotting activity at 12% or less of normal activity (Factor IX database and references therein). Additionally, enzymatic studies of p.Ile443Thr protein demonstrate substantially reduced catalytic efficiency (Geddes 1989). Based on available information, this variant is considered to be pathogenic. References: Factor IX database: Geddes VA et al. A moderate form of hemophilia B is caused by a novel mutation in the protease domain of factor IXVancouver. J Biol Chem. 1989 Mar 15;264(8):4689-97. Ketterling RP et al. Evidence that descendants of three founders constitute about 25% of hemophilia B in the United States. Genomics. 1991 Aug;10(4):1093-6. Li T et al. Mutation analysis of a cohort of US patients with hemophilia B. Am J Hematol. 2014 Apr;89(4):375-9. Thompson AR et al. "Founder" effect in different families with haemophilia B mutation. Lancet. 1990 Feb 17;335(8686):418.

OMIM
Classification: Pathogenic for HEMOPHILIA B. Last evaluated: 1991-06-01. Review status: no assertion criteria provided. Collection method: literature only. Allele origin: germline. Not counted in ClinVar's aggregate classification.

Literature cited by the submitters: PubMed 24375831 (cited by 4 submitters); PubMed 22639855 (cited by Natera, Inc. and Mayo Clinic Laboratories, Mayo Clinic); PubMed 19699296 (cited by Natera, Inc.); PubMed 15613048 (cited by Natera, Inc.); PubMed 1902289 (cited by Mayo Clinic Laboratories, Mayo Clinic and OMIM); PubMed 20059559 (cited by Mayo Clinic Laboratories, Mayo Clinic); PubMed 2066105 (cited by Mayo Clinic Laboratories, Mayo Clinic and OMIM); PubMed 22103590 (cited by Mayo Clinic Laboratories, Mayo Clinic); PubMed 23617593 (cited by Mayo Clinic Laboratories, Mayo Clinic); PubMed 24533955 (cited by Mayo Clinic Laboratories, Mayo Clinic); PubMed 2494175 (cited by 3 submitters); PubMed 27501440 (cited by Mayo Clinic Laboratories, Mayo Clinic); PubMed 38196513 (cited by Mayo Clinic Laboratories, Mayo Clinic); PubMed 3965513 (cited by Mayo Clinic Laboratories, Mayo Clinic); PubMed 3401602 (cited by OMIM); Geddes, V. A., Louie, G. V., Brayer, G. D., MacGillivray, R. T. A. Molecular basis of hemophilia B: identification of the defect in factor IX Vancouver. (Abstract) Thromb. Haemost. 58 (suppl.): 294, 1987. (cited by OMIM); PubMed 2220823 (cited by OMIM).